The following is an entry in ClinVar:

ClinVar aggregate classification (germline): Uncertain significance (1 of 4 stars; one submission).

Conditions:
Dyskeratosis congenita. Identifiers: Orphanet 1775, MedGen C0265965, MONDO:0015780.

Submission:

Labcorp Genetics (formerly Invitae), Labcorp
Classification: Uncertain significance for Dyskeratosis congenita. Last evaluated: 2022-10-28. Review status: criteria provided, single submitter. Criteria: Invitae Variant Classification Sherloc (09022015). Collection method: clinical testing. Allele origin: germline.
Comment: In summary, the available evidence is currently insufficient to determine the role of this variant in disease. Therefore, it has been classified as a Variant of Uncertain Significance. Algorithms developed to predict the effect of missense changes on protein structure and function output the following: SIFT: "Tolerated"; PolyPhen-2: "Possibly Damaging"; Align-GVGD: "Class C0". The arginine amino acid residue is found in multiple mammalian species, which suggests that this missense change does not adversely affect protein function. ClinVar contains an entry for this variant (Variation ID: 459579). This variant has not been reported in the literature in individuals affected with TINF2-related conditions. This variant is not present in population databases (gnomAD no frequency). This sequence change replaces lysine, which is basic and polar, with arginine, which is basic and polar, at codon 306 of the TINF2 protein (p.Lys306Arg).

NM_001099274.3(TINF2):c.917A>G (p.Lys306Arg)

Gene: TINF2 (TERF1 interacting nuclear factor 2; minus strand). Cytogenetic location: 14q12.
Variant type: single nucleotide variant.
Coding change: c.917A>G on transcript NM_001099274.3 (MANE Select); coding-DNA position 917, A replaced by G.
Protein change: p.Lys306Arg; replaces lysine 306 with arginine.
Molecular consequence: missense variant.
Genome position (GRCh38, 1-based): chr14:24,240,563, T>C on the plus strand (A>G on the coding strand, the complement: TINF2 is on the minus strand). VCF-style: chr14-24240563-T-C. GRCh37 (hg19) VCF-style: chr14-24709769-T-C.
Other names: c.812A>G, p.Lys271Arg (NM_001363668.2); c.917A>G, p.Lys306Arg (NM_012461.3); short protein forms K306R, K271R.
Identifiers: ClinVar variation 459579 (VCV000459579.9), dbSNP rs1555304016, ClinGen allele CA389224807.
Genomic context (GRCh38, chr14:24,240,563, plus strand): 5'-CCAGTGGAGGCTGCTCTTGTGCCCATGGCTAGGTCTGCTGTGTATATCGCATGTTCTTCC[T>C]TGCTCTCAGGCTTAGATATGACCTGGGTTGGTGAGCCGAGATTCCTAAAGGGAAACAGCA-3'
Protein context (NP_001092744.1, residues 296-316): PTQVISKPES[Lys306Arg]EEHAIYTADL